The following is an entry in ClinVar:

ClinVar aggregate classification (germline): Benign/Likely benign. Review status: criteria provided, multiple submitters, no conflicts (2 of 4 stars). 2 submissions from 2 submitters: Benign (1); Likely benign (1). Last evaluated 2019-12-31.

Conditions:
Long QT syndrome (LQTS). Identifiers: MedGen C0023976, MeSH D008133, MONDO:0002442. Disease mechanism: loss of function. Inheritance: Various modes of inheritance.

Allele frequency attached by ClinVar (database versions not stated): gnomAD exomes 0.00153; gnomAD 0.01417 and 0.01517; 1000 Genomes Project 0.01597; TOPMed 0.01642; 1000 Genomes Project 30x 0.01671.
gnomAD v4.1: 3,109 of 742,584 alleles (0.42%); highest among the groups gnomAD compares: African/African-American, 4.8%; 79 homozygotes.

Submissions (2):

Labcorp Genetics (formerly Invitae), Labcorp
Classification: Benign for Long QT syndrome. Last evaluated: 2019-12-31. Review status: criteria provided, single submitter. Criteria: Invitae Variant Classification Sherloc (09022015). Collection method: clinical testing. Allele origin: germline.

GeneDx
Classification: Likely benign. Last evaluated: 2018-06-16. Review status: criteria provided, single submitter. Criteria: GeneDx Variant Classification (06012015). Collection method: clinical testing. Allele origin: germline. Affected: yes.
Comment: This variant is considered likely benign or benign based on one or more of the following criteria: it is a conservative change, it occurs at a poorly conserved position in the protein, it is predicted to be benign by multiple in silico algorithms, and/or has population frequency not consistent with disease.

NM_000719.7(CACNA1C):c.1114-145A>G

Gene: CACNA1C (calcium voltage-gated channel subunit alpha1 C; plus strand). Cytogenetic location: 12p13.33.
Variant type: single nucleotide variant.
Coding change: c.1114-145A>G on transcript NM_000719.7 (MANE Select); 145 bases into the intron before coding-DNA position 1114, A replaced by G.
Molecular consequence: intron variant.
Genome position (GRCh38, 1-based): chr12:2,504,697, A>G. VCF-style: chr12-2504697-A-G. GRCh37 (hg19) VCF-style: chr12-2613863-A-G.
Other names: c.1217+158A>G (NM_001167624.3, NM_001167623.2, NM_001167625.2 and 1 more transcripts); c.1114-145A>G (NM_199460.4, NM_001129827.2, NM_001129832.2 and 14 more transcripts); c.1105-145A>G (NM_001129844.2).
Identifiers: ClinVar variation 675527 (VCV000675527.5), dbSNP rs114000334, ClinGen allele CA231606301.